The following is an entry in ClinVar:

ClinVar aggregate classification (germline): Uncertain significance (1 of 4 stars; one submission).

gnomAD v4.1: 3 of 1,613,670 alleles (0.00019%); highest among the groups gnomAD compares: Non-Finnish European, 0.00025%; no homozygotes.

Submission:

Labcorp Genetics (formerly Invitae), Labcorp
Classification: Uncertain significance. Last evaluated: 2025-01-27. Review status: criteria provided, single submitter. Criteria: Invitae Variant Classification Sherloc (09022015). Collection method: clinical testing. Allele origin: germline.
Comment: This sequence change replaces threonine, which is neutral and polar, with arginine, which is basic and polar, at codon 1083 of the CDH23 protein (p.Thr1083Arg). This variant is not present in population databases (gnomAD no frequency). This variant has not been reported in the literature in individuals affected with CDH23-related conditions. ClinVar contains an entry for this variant (Variation ID: 1501251). Invitae Evidence Modeling of protein sequence and biophysical properties (such as structural, functional, and spatial information, amino acid conservation, physicochemical variation, residue mobility, and thermodynamic stability) has been performed for this missense variant. However, the output from this modeling did not meet the statistical confidence thresholds required to predict the impact of this variant on CDH23 protein function. In summary, the available evidence is currently insufficient to determine the role of this variant in disease. Therefore, it has been classified as a Variant of Uncertain Significance.

NM_022124.6(CDH23):c.3248C>G (p.Thr1083Arg)

Genes: C10orf105 (chromosome 10 open reading frame 105; minus strand), CDH23 (cadherin related 23; plus strand). Cytogenetic location: 10q22.1.
Variant type: single nucleotide variant.
Coding change: c.3248C>G on transcript NM_022124.6 (MANE Select); coding-DNA position 3248, C replaced by G.
Protein change: p.Thr1083Arg; replaces threonine 1083 with arginine.
Molecular consequence: missense variant. On other transcripts: 3 prime UTR variant (2).
Genome position (GRCh38, 1-based): chr10:71,712,692, C>G. VCF-style: chr10-71712692-C-G. GRCh37 (hg19) VCF-style: chr10-73472449-C-G.
Other names: c.*3244G>C (NM_001164375.3, NM_001168390.2); c.3248C>G, p.Thr1083Arg (NM_001171930.2); short protein forms T1083R.
Identifiers: ClinVar variation 1501251 (VCV001501251.8), dbSNP rs756165682, ClinGen allele CA377144089.